The following is an entry in ClinVar:

NM_004787.4(SLIT2):c.4513G>A (p.Glu1505Lys)

Gene: SLIT2 (slit guidance ligand 2; plus strand). Cytogenetic location: 4p15.31.
Variant type: single nucleotide variant.
Coding change: c.4513G>A on transcript NM_004787.4 (MANE Select); coding-DNA position 4513, G replaced by A.
Protein change: p.Glu1505Lys; replaces glutamic acid 1505 with lysine.
Molecular consequence: missense variant.
Genome position (GRCh38, 1-based): chr4:20,618,932, G>A. VCF-style: chr4-20618932-G-A. GRCh37 (hg19) VCF-style: chr4-20620555-G-A.
Other names: c.4501G>A, p.Glu1501Lys (NM_001289135.3); c.4489G>A, p.Glu1497Lys (NM_001289136.3); short protein forms E1497K, E1505K, E1501K.
Identifiers: ClinVar variation 4691106 (VCV004691106.1).
Genomic context (GRCh38, chr4:20,618,932, plus strand): 5'-GGGTGTGCAGGAGGGCAGTGCTGTGGACCGCTGAGGAGCAAGCGGCGGAAATACTCTTTC[G>A]AATGCACTGACGGCTCCTCCTTTGTGGACGAGGTTGAGAAAGTGGTGAAGTGCGGCTGTA-3'
Protein context (NP_004778.1, residues 1495-1515): LRSKRRKYSF[Glu1505Lys]CTDGSSFVDE

ClinVar aggregate classification (germline): Uncertain significance (1 of 4 stars; one submission).

gnomAD v4.1: 14 of 1,613,964 alleles (0.00087%); highest among the groups gnomAD compares: Middle Eastern, 0.016%; no homozygotes.

Submission:

Labcorp Genetics (formerly Invitae), Labcorp
Classification: Uncertain significance. Last evaluated: 2025-04-05. Review status: criteria provided, single submitter. Criteria: Invitae Variant Classification Sherloc (09022015). Collection method: clinical testing. Allele origin: germline.
Comment: This sequence change replaces glutamic acid, which is acidic and polar, with lysine, which is basic and polar, at codon 1505 of the SLIT2 protein (p.Glu1505Lys). This variant is present in population databases (rs779153208, gnomAD 0.008%). This variant has not been reported in the literature in individuals affected with SLIT2-related conditions. An algorithm developed to predict the effect of missense changes on protein structure and function (PolyPhen-2) suggests that this variant is likely to be tolerated. In summary, the available evidence is currently insufficient to determine the role of this variant in disease. Therefore, it has been classified as a Variant of Uncertain Significance.